The following is an entry in ClinVar:

ClinVar aggregate classification (germline): Pathogenic. Review status: reviewed by expert panel (3 of 4 stars). 12 submissions from 12 submitters: Pathogenic (1). 11 of the submissions do not count toward it. Last evaluated 2019-06-18.

Conditions:
Hereditary cancer-predisposing syndrome. Also called: Tumor predisposition; Neoplastic Syndromes, Hereditary; Hereditary Cancer Syndrome; Hereditary neoplastic syndrome. Identifiers: Orphanet 140162, MedGen C0027672, MeSH D009386, MONDO:0015356.
Hereditary breast ovarian cancer syndrome. Also called: Hereditary breast and ovarian cancer syndrome (HBOC); Hereditary breast and ovarian cancer syndrome; Hereditary breast and ovarian cancer; Hereditary breast and/or ovarian cancer syndrome; Breast and ovarian cancer; BRCA1- and BRCA2-Associated Hereditary Breast and Ovarian Cancer. Identifiers: Orphanet 145, MedGen C0677776, MeSH D061325, MONDO:0003582. Disease mechanism: loss of function.
Breast-ovarian cancer, familial, susceptibility to, 1 (BROVCA1). Also called: OVARIAN CANCER, SUSCEPTIBILITY TO; BRCA1 Hereditary Breast and Ovarian Cancer. Identifiers: Orphanet 145, MedGen C2676676, MONDO:0011450, OMIM 604370. Disease mechanism: loss of function.

Submissions (12):

Evidence-based Network for the Interpretation of Germline Mutant Alleles (ENIGMA)
Classification: Pathogenic for Breast-ovarian cancer, familial, susceptibility to, 1. Last evaluated: 2019-06-18. Review status: reviewed by expert panel. Criteria: ENIGMA BRCA1/2 Classification Criteria (2017-06-29). Collection method: curation. Allele origin: germline.
Comment: IARC class based on posterior probability from multifactorial likelihood analysis, thresholds for class as per Plon et al. 2008 (PMID: 18951446). Class 5 based on posterior probability = 0.999914

GeneDx
Classification: Pathogenic. Last evaluated: 2025-05-02. Review status: criteria provided, single submitter. Criteria: GeneDx Variant Classification Process June 2021. Collection method: clinical testing. Allele origin: germline. Affected: yes. Not counted in ClinVar's aggregate classification.
Comment: Canonical splice site variant demonstrated to result in a null allele in a gene for which loss of function is a known mechanism of disease (PMID: 12938098); Observed in an individual with a personal and family history of breast cancer (PMID: 12938098); Multifactorial likelihood analysis suggests this variant is pathogenic (PMID: 31131967); Not observed at significant frequency in large population cohorts (gnomAD); Truncating variants in this gene are considered pathogenic by a well-established clinical consortium and/or database; Also known as 4304+2_4304+22delinsA or IVS12+2_IVS12+22delinsA; This variant is associated with the following publications: (PMID: 17924331, 29446198, 26295337, 12938098, 31131967)

Quest Diagnostics Nichols Institute San Juan Capistrano
Classification: Pathogenic. Last evaluated: 2024-11-22. Review status: criteria provided, single submitter. Criteria: Quest Diagnostics criteria. Collection method: clinical testing. Allele origin: unknown. Not counted in ClinVar's aggregate classification.
Comment: The BRCA1 c.4185+2_4185+22delinsA variant disrupts a canonical splice-donor site and interferes with normal BRCA1 mRNA splicing. This variant has been reported in the published literature in a family affected with breast and/or ovarian cancer (PMID: 12938098 (2003)). This variant has not been reported in large, multi-ethnic general populations (Genome Aggregation Database). Based on the available information, this variant is classified as pathogenic.

Labcorp Genetics (formerly Invitae), Labcorp
Classification: Pathogenic for Hereditary breast ovarian cancer syndrome. Last evaluated: 2024-10-31. Review status: criteria provided, single submitter. Criteria: Invitae Variant Classification Sherloc (09022015). Collection method: clinical testing. Allele origin: germline. Not counted in ClinVar's aggregate classification.
Comment: This sequence change affects a splice site in intron 11 of the BRCA1 gene. RNA analysis indicates that disruption of this splice site induces altered splicing and may result in an absent or altered protein product. Information on the frequency of this variant in the gnomAD database is not available, as this variant may be reported differently in the database. Disruption of this splice site has been observed in individual(s) with breast cancer (PMID: 12938098). This variant is also known as IVS12+2insAdel21. Based on a multifactorial likelihood algorithm using genetic, in silico, and/or statistical data, this variant has been determined to have a high probability of being pathogenic (PMID: 17924331). Studies have shown that disruption of this splice site results in retention of intron 11, and produces a non-functional protein and/or introduces a premature termination codon (PMID: 12938098). For these reasons, this variant has been classified as Pathogenic.

Baylor Genetics
Classification: Pathogenic for Breast-ovarian cancer, familial, susceptibility to, 1. Last evaluated: 2023-10-13. Review status: criteria provided, single submitter. Criteria: ACMG Guidelines, 2015. Collection method: clinical testing. Allele origin: unknown. Not counted in ClinVar's aggregate classification.

Ambry Genetics
Classification: Pathogenic for Hereditary cancer-predisposing syndrome. Last evaluated: 2022-10-31. Review status: criteria provided, single submitter. Criteria: Ambry Variant Classification Scheme 2023. Collection method: clinical testing. Allele origin: germline. Not counted in ClinVar's aggregate classification.
Comment: The c.4185+2_4185+22delinsA intronic pathogenic mutation, located in intron 10 of the BRCA1 gene, results from an in-frame from the deletion of 21 nucleotides and the insertion of one nucleotide at nucleotide position 4185. Of note, this alteration is also designated as IVS12+2del21insA in the literature. This alteration was classified as pathogenic in multifactorial models of variant interpretation that incorporates co-segregation, family history, co-occurrence, tumor pathology and case-control data (Parsons MT et al. Hum Mutat, 2019 09;40:1557-1578; Easton DF et al. Am J Hum Genet, 2007 Nov;81:873-83). RNA studies have demonstrated that this alteration results in abnormal splicing (Ambry internal data; Meyer P et al. Hum Mutat, 2003 Sep;22:259). In silico splice site analysis predicts that this alteration will weaken the native splice donor site. Alterations that disrupt the canonical splice site are expected to cause aberrant splicing, resulting in an abnormal protein or a transcript that is subject to nonsense-mediated mRNA decay. As such, this alteration is classified as a disease-causing mutation.

Color Diagnostics, LLC DBA Color Health
Classification: Pathogenic for Hereditary cancer-predisposing syndrome. Last evaluated: 2020-02-13. Review status: criteria provided, single submitter. Criteria: ACMG Guidelines, 2015. Collection method: clinical testing. Allele origin: germline. Not counted in ClinVar's aggregate classification.
Comment: This variant alters 21 bases in intron 11 of the BRCA1 gene, abolishing the intron 11 splice donor site. This variant is also known as IVS12+2del21insA. Functional RNA studies have shown that this variant causes the retention of intron 11, resulting in premature truncation and is expected to result in an absent or non-functional protein product (PMID: 12938098). To our knowledge, functional studies have not been performed for this variant. This variant has been reported in a hereditary breast cancer family (PMID: 12938098). A multifactorial analysis reported that this variant has odds in favor of causality of 36:1 based on family history, co-occurrence and co-segregation (PMID: 17924331). This variant has not been identified in the general population by the Genome Aggregation Database (gnomAD). Loss of BRCA1 function is a known mechanism of disease. Based on the available evidence, this variant is classified as Pathogenic.

Women's Health and Genetics/Laboratory Corporation of America, LabCorp
Classification: Pathogenic for Hereditary breast and ovarian cancer syndrome. Last evaluated: 2019-07-08. Review status: criteria provided, single submitter. Criteria: LabCorp Variant Classification Summary - May 2015. Collection method: clinical testing. Allele origin: germline. Not counted in ClinVar's aggregate classification.
Comment: Variant summary: BRCA1 c.4185+2_4185+22delinsA is located in a canonical splice-site and is predicted to affect mRNA splicing resulting in a significantly altered protein due to either exon skipping, shortening, or inclusion of intronic material. Several computational tools predict a significant impact on normal splicing: Five predict the variant abolishes a 5' splicing donor site. At least one publication reports experimental evidence that this variant affects mRNA splicing (Meyer_2003). The variant was absent in 250278 control chromosomes (gnomAD). c.4185+2_4185+22delinsA has been reported in the literature in multiple individuals affected with Hereditary Breast and Ovarian Cancer (Meyer_2003, Rebbeck_2018). These data indicate that the variant is very likely to be associated with disease. Five ClinVar submission (evaluation after 2014) cite the variant as likely pathogenic/pathogenic. Based on the evidence outlined above, the variant was classified as pathogenic.

Consortium of Investigators of Modifiers of BRCA1/2 (CIMBA), c/o University of Cambridge
Classification: Pathogenic for Breast-ovarian cancer, familial, susceptibility to, 1. Last evaluated: 2015-10-02. Review status: criteria provided, single submitter. Criteria: CIMBA Mutation Classification guidelines May 2016. Collection method: clinical testing. Allele origin: germline. Not counted in ClinVar's aggregate classification.

Research Molecular Genetics Laboratory, Women's College Hospital, University of Toronto
Classification: Pathogenic for Hereditary breast ovarian cancer syndrome. Last evaluated: 2014-01-31. Review status: no assertion criteria provided. Collection method: research. Allele origin: germline. Affected: yes. Study: The Canadian Open Genetics Repository (COGR). Not counted in ClinVar's aggregate classification.

Sharing Clinical Reports Project (SCRP)
Classification: Pathogenic for Breast-ovarian cancer, familial 1. Last evaluated: 2012-06-07. Review status: no assertion criteria provided. Collection method: clinical testing. Allele origin: germline. Not counted in ClinVar's aggregate classification.

Breast Cancer Information Core (BIC) (BRCA1)
Classification: Pathogenic for Breast-ovarian cancer, familial 1. Last evaluated: 2004-02-20. Review status: no assertion criteria provided. Collection method: clinical testing. Allele origin: germline. Affected: yes. Observed: 3 variant alleles. Not counted in ClinVar's aggregate classification.

Literature cited by the submitters: PubMed 31131967 (cited by 3 submitters); PubMed 17924331 (cited by 3 submitters); PubMed 12938098 (cited by 4 submitters); PubMed 29446198 (cited by Quest Diagnostics Nichols Institute San Juan Capistrano and Women's Health and Genetics/Laboratory Corporation of America, LabCorp); PubMed 26295337 (cited by Quest Diagnostics Nichols Institute San Juan Capistrano).

NM_007294.4(BRCA1):c.4185+2_4185+22delinsA

Gene: BRCA1 (BRCA1 DNA repair associated; minus strand). Cytogenetic location: 17q21.31.
Variant type: Indel.
Coding change: c.4185+2_4185+22delinsA on transcript NM_007294.4 (MANE Select); the canonical splice donor site of the intron after coding-DNA position 4185 through 22 bases into the intron after coding-DNA position 4185, TAAAAAGCGTGTGTGTGTGTG replaced by A.
Molecular consequence: splice donor variant.
Genome position (GRCh38, 1-based): chr17:43,090,922-43,090,942, CACACACACACACGCTTTTTA replaced by T on the plus strand (TAAAAAGCGTGTGTGTGTGTG replaced by A on the coding strand, the reverse complement: BRCA1 is on the minus strand). VCF-style: chr17-43090922-CACACACACACACGCTTTTTA-T. GRCh37 (hg19) VCF-style: chr17-41242939-CACACACACACACGCTTTTTA-T.
Other names: IVS12+2del21insA; c.4185+2_4185+22del21insA (NM_007294.3); c.753+2_753+22delinsA (NM_001408425.1, NM_001408440.1, NM_001408428.1 and 12 more transcripts); c.4062+2_4062+22delinsA (NM_001407681.1, NM_001407675.1, NM_001407680.1 and 19 more transcripts); c.759+2_759+22delinsA (NM_001408419.1, NM_001408422.1, NM_001408418.1 and 2 more transcripts); c.876+2_876+22delinsA (NM_001408403.1, NM_001407983.1, NM_001407975.1 and 17 more transcripts); c.870+2_870+22delinsA (NM_001408406.1); c.4185+2_4185+22delinsA (NM_001407641.1, NM_001407624.1, NM_001407858.1 and 30 more transcripts); and 43 more.
Identifiers: ClinVar variation 37574 (VCV000037574.24), dbSNP rs273900724, ClinGen allele CA260692.